The following is an entry in ClinVar:

NM_032802.4(SPPL2A):c.1317G>T (p.Ser439=)

Gene: SPPL2A (signal peptide peptidase like 2A; minus strand). Cytogenetic location: 15q21.2.
Variant type: single nucleotide variant.
Coding change: c.1317G>T on transcript NM_032802.4 (MANE Select); coding-DNA position 1317, G replaced by T.
Protein change: p.Ser439=; no amino-acid change (serine 439 retained).
Molecular consequence: synonymous variant.
Genome position (GRCh38, 1-based): chr15:50,722,134, C>A on the plus strand (G>T on the coding strand, the complement: SPPL2A is on the minus strand). VCF-style: chr15-50722134-C-A. GRCh37 (hg19) VCF-style: chr15-51014331-C-A.
Identifiers: ClinVar variation 1917438 (VCV001917438.5), dbSNP rs780968695, ClinGen allele CA7558230.
Genomic context (GRCh38, chr15:50,722,134, plus strand): 5'-CTCCAGACAATACAATTCAACATTTAATACAAAGAAAAACAAAAATTTACCAACTGTAGA[C>A]GAAACATAGTATATGTAAGAAGAACCAGTCTGAACATCAAATCTTCTACAGTATGCAATC-3'
Protein context (NP_116191.2, residues 429-449): QTGSSYIYYV[Ser439=]STVAYAIGMI

ClinVar aggregate classification (germline): Uncertain significance (1 of 4 stars; one submission).

gnomAD v4.1: 6 of 1,568,082 alleles (0.00038%); highest among the groups gnomAD compares: East Asian, 0.0022%; no homozygotes.

Submission:

Labcorp Genetics (formerly Invitae), Labcorp
Classification: Uncertain significance. Last evaluated: 2022-07-30. Review status: criteria provided, single submitter. Criteria: Invitae Variant Classification Sherloc (09022015). Collection method: clinical testing. Allele origin: germline.
Comment: This sequence change affects codon 439 of the SPPL2A mRNA. It is a 'silent' change, meaning that it does not change the encoded amino acid sequence of the SPPL2A protein. This variant is present in population databases (rs780968695, gnomAD 0.003%). This variant has not been reported in the literature in individuals affected with SPPL2A-related conditions. Algorithms developed to predict the effect of sequence changes on RNA splicing suggest that this variant may disrupt the consensus splice site. In summary, the available evidence is currently insufficient to determine the role of this variant in disease. Therefore, it has been classified as a Variant of Uncertain Significance.